The following is an entry in ClinVar:

NM_000051.4(ATM):c.6250T>C (p.Leu2084=)

Genes: ATM (ATM serine/threonine kinase; plus strand), C11orf65 (chromosome 11 open reading frame 65; minus strand). Cytogenetic location: 11q22.3.
Variant type: single nucleotide variant.
Coding change: c.6250T>C on transcript NM_000051.4 (MANE Select); coding-DNA position 6250, T replaced by C.
Protein change: p.Leu2084=; no amino-acid change (leucine 2084 retained).
Molecular consequence: synonymous variant. On other transcripts: intron variant (2).
Genome position (GRCh38, 1-based): chr11:108,317,424, T>C. VCF-style: chr11-108317424-T-C. GRCh37 (hg19) VCF-style: chr11-108188151-T-C.
Other names: c.6250T>C, p.Leu2084= (NM_001351834.2); c.641-8353A>G (NM_001330368.2); c.*39-8353A>G (NM_001351110.2).
Identifiers: ClinVar variation 183983 (VCV000183983.19), dbSNP rs772608345, ClinGen allele CA187388.

ClinVar aggregate classification (germline): Benign/Likely benign. Review status: criteria provided, multiple submitters, no conflicts (2 of 4 stars). 6 submissions from 6 submitters: Benign (1); Likely benign (5). Last evaluated 2025-11-10.

Conditions:
Hereditary cancer-predisposing syndrome. Also called: Hereditary Cancer Syndrome; Tumor predisposition; Neoplastic Syndromes, Hereditary; Hereditary neoplastic syndrome. Identifiers: Orphanet 140162, MedGen C0027672, MeSH D009386, MONDO:0015356.
Familial cancer of breast. Also called: hereditary breast carcinoma; BREAST CANCER, FAMILIAL; Hereditary breast cancer. Identifiers: Orphanet 227535, MedGen C0346153, MONDO:0016419, OMIM 114480. Disease mechanism: loss of function.
Ataxia-telangiectasia syndrome (AT). Also called: ATAXIA-TELANGIECTASIA, COMPLEMENTATION GROUP A; ATAXIA-TELANGIECTASIA, FRESNO VARIANT; Ataxia-telangiectasia; Ataxia-telangiectasia, complementation group E; Cerebello-oculocutaneous telangiectasia; Immunodeficiency with ataxia telangiectasia. Identifiers: Orphanet 100, MedGen C0004135, MONDO:0008840, OMIM 208900.

Allele frequency attached by ClinVar (database versions not stated): gnomAD exomes 0.00001; ExAC 0.00001.
gnomAD v4.1: 10 of 1,612,622 alleles (0.00062%); highest among the groups gnomAD compares: Admixed American, 0.0033%; no homozygotes.

Submissions (6):

Labcorp Genetics (formerly Invitae), Labcorp
Classification: Likely benign for Ataxia-telangiectasia syndrome. Last evaluated: 2025-11-10. Review status: criteria provided, single submitter. Criteria: Invitae Variant Classification Sherloc (09022015). Collection method: clinical testing. Allele origin: germline.

Myriad Genetics, Inc.
Classification: Benign for Familial cancer of breast. Last evaluated: 2024-06-05. Review status: criteria provided, single submitter. Criteria: Myriad Autosomal Dominant, Autosomal Recessive and X-Linked Classification Criteria (2023). Collection method: clinical testing. Allele origin: unknown.
Comment: This variant is considered benign. This variant is a silent/synonymous amino acid change and it is not expected to impact splicing.

Women's Health and Genetics/Laboratory Corporation of America, LabCorp
Classification: Likely benign. Last evaluated: 2022-01-31. Review status: criteria provided, single submitter. Criteria: LabCorp Variant Classification Summary - May 2015. Collection method: clinical testing. Allele origin: germline.

Color Diagnostics, LLC DBA Color Health
Classification: Likely benign for Hereditary cancer-predisposing syndrome. Last evaluated: 2018-10-08. Review status: criteria provided, single submitter. Criteria: ACMG Guidelines, 2015. Collection method: clinical testing. Allele origin: germline.

GeneDx
Classification: Likely benign. Last evaluated: 2016-09-06. Review status: criteria provided, single submitter. Criteria: GeneDx Variant Classification (06012015). Collection method: clinical testing. Allele origin: germline. Affected: yes.
Comment: This variant is considered likely benign or benign based on one or more of the following criteria: it is a conservative change, it occurs at a poorly conserved position in the protein, it is predicted to be benign by multiple in silico algorithms, and/or has population frequency not consistent with disease.

Ambry Genetics
Classification: Likely benign for Hereditary cancer-predisposing syndrome. Last evaluated: 2016-03-31. Review status: criteria provided, single submitter. Criteria: Ambry Variant Classification Scheme 2023. Collection method: clinical testing. Allele origin: germline.